The following is an entry in ClinVar:

ClinVar aggregate classification (germline): Conflicting classifications of pathogenicity. Review status: criteria provided, conflicting classifications (1 of 4 stars). 6 submissions from 6 submitters: Uncertain significance (3); Likely benign (2). 1 of the submissions does not count toward it. Last evaluated 2025-12-26.

Conditions:
IFT140-related disorder. Also called: IFT140-related condition.
Inborn genetic diseases. Identifiers: MedGen C0950123, MeSH D030342.
Saldino-Mainzer syndrome (SRTD9). Also called: short-rib thoracic dysplasia 9 with or without polydactyly; CONORENAL SYNDROME; Renal dysplasia, retinal pigmentary dystrophy, cerebellar ataxia and skeletal dysplasia; SHORT-RIB THORACIC DYSPLASIA 9 WITHOUT POLYDACTYLY. Identifiers: Orphanet 140969, MedGen C1849437, MONDO:0009964, OMIM 266920.
Retinitis pigmentosa 80 (RP80). Identifiers: MedGen C4540439, MONDO:0054708, OMIM 617781.
Retinitis pigmentosa (RP). Identifiers: Orphanet 791, MedGen C0035334, MeSH D012174, MONDO:0019200, OMIM 268000. Inheritance: Autosomal dominant, autosomal recessive and X linked inheritance.

Allele frequency attached by ClinVar (database versions not stated): TOPMed 0.00018; ESP Exome Variant Server 0.00062.
gnomAD v4.1: 375 of 1,613,540 alleles (0.023%); highest among the groups gnomAD compares: Admixed American, 0.042%; no homozygotes.

Submissions (6):

Labcorp Genetics (formerly Invitae), Labcorp
Classification: Likely benign for Saldino-Mainzer syndrome. Last evaluated: 2025-12-26. Review status: criteria provided, single submitter. Criteria: Invitae Variant Classification Sherloc (09022015). Collection method: clinical testing. Allele origin: germline.

Ambry Genetics
Classification: Uncertain significance for Inborn genetic diseases. Last evaluated: 2025-04-03. Review status: criteria provided, single submitter. Criteria: Ambry Variant Classification Scheme 2023. Collection method: clinical testing. Allele origin: germline.

Blueprint Genetics
Classification: Likely benign. Last evaluated: 2024-11-11. Review status: criteria provided, single submitter. Criteria: ACMG Guidelines, 2015. Collection method: clinical testing. Allele origin: germline.

Fulgent Genetics
Classification: Uncertain significance for Saldino-Mainzer syndrome; Retinitis pigmentosa 80. Last evaluated: 2024-06-17. Review status: criteria provided, single submitter. Criteria: ACMG Guidelines, 2015. Collection method: clinical testing. Allele origin: germline.

Illumina Laboratory Services, Illumina
Classification: Uncertain significance for Saldino-Mainzer syndrome. Last evaluated: 2018-01-13. Review status: criteria provided, single submitter. Criteria: ICSL Variant Classification Criteria 13 December 2019. Collection method: clinical testing. Allele origin: germline.

PreventionGenetics, part of Exact Sciences
Classification: Uncertain significance for IFT140-related condition. Last evaluated: 2024-09-16. Review status: no assertion criteria provided. Collection method: clinical testing. Allele origin: germline. Not counted in ClinVar's aggregate classification.
Comment: The IFT140 c.867C>G variant is predicted to result in the amino acid substitution p.Ser289Arg. To our knowledge, this variant has not been reported in the literature. This variant is reported in 0.068% of alleles in individuals of Latino descent in gnomAD, which may be too common to be an undocumented cause of disease. Although we suspect that this variant may be benign, at this time, the clinical significance of this variant is uncertain due to the absence of conclusive functional and genetic evidence.

NM_014714.4(IFT140):c.867C>G (p.Ser289Arg)

Genes: IFT140 (intraflagellar transport 140; minus strand), LOC105371046 (uncharacterized LOC105371046; plus strand). Cytogenetic location: 16p13.3.
Variant type: single nucleotide variant.
Coding change: c.867C>G on transcript NM_014714.4 (MANE Select); coding-DNA position 867, C replaced by G.
Protein change: p.Ser289Arg; replaces serine 289 with arginine.
Molecular consequence: missense variant.
Genome position (GRCh38, 1-based): chr16:1,587,968, G>C on the plus strand (C>G on the coding strand, the complement: IFT140 is on the minus strand). VCF-style: chr16-1587968-G-C. GRCh37 (hg19) VCF-style: chr16-1637969-G-C.
Other names: short protein forms S289R.
Identifiers: ClinVar variation 318200 (VCV000318200.20), dbSNP rs145858131, ClinGen allele CA7814525.